The following is an entry in ClinVar:

NM_020361.5(CPA6):c.517T>G (p.Ser173Ala)

Gene: CPA6 (carboxypeptidase A6; minus strand). Cytogenetic location: 8q13.2.
Variant type: single nucleotide variant.
Coding change: c.517T>G on transcript NM_020361.5 (MANE Select); coding-DNA position 517, T replaced by G.
Protein change: p.Ser173Ala; replaces serine 173 with alanine.
Molecular consequence: missense variant.
Genome position (GRCh38, 1-based): chr8:67,509,534, A>C on the plus strand (T>G on the coding strand, the complement: CPA6 is on the minus strand). VCF-style: chr8-67509534-A-C. GRCh37 (hg19) VCF-style: chr8-68421769-A-C.
Other names: short protein forms S173A.
Identifiers: ClinVar variation 656801 (VCV000656801.8), dbSNP rs1587505420, ClinGen allele CA371261503.

ClinVar aggregate classification (germline): Uncertain significance (1 of 4 stars; one submission).

Conditions:
Febrile seizures, familial, 11 (FEB11). Also called: CONVULSIONS, FAMILIAL FEBRILE, 11. Identifiers: MedGen C3280734, MONDO:0024566, OMIM 614418.

Allele frequency attached by ClinVar (database versions not stated): gnomAD exomes below 0.00001; TOPMed below 0.00001.
gnomAD v4.1: 1 of 1,552,588 alleles (0.000064%); highest among the groups gnomAD compares: Non-Finnish European, 0.000088%; no homozygotes.

Submission:

Labcorp Genetics (formerly Invitae), Labcorp
Classification: Uncertain significance for Febrile seizures, familial, 11. Last evaluated: 2022-12-06. Review status: criteria provided, single submitter. Criteria: Invitae Variant Classification Sherloc (09022015). Collection method: clinical testing. Allele origin: germline.
Comment: ClinVar contains an entry for this variant (Variation ID: 656801). Advanced modeling of protein sequence and biophysical properties (such as structural, functional, and spatial information, amino acid conservation, physicochemical variation, residue mobility, and thermodynamic stability) performed at Invitae indicates that this missense variant is not expected to disrupt CPA6 protein function. In summary, the available evidence is currently insufficient to determine the role of this variant in disease. Therefore, it has been classified as a Variant of Uncertain Significance. This variant has not been reported in the literature in individuals affected with CPA6-related conditions. This sequence change replaces serine, which is neutral and polar, with alanine, which is neutral and non-polar, at codon 173 of the CPA6 protein (p.Ser173Ala). This variant is not present in population databases (gnomAD no frequency).